The following is an entry in ClinVar:

ClinVar aggregate classification (germline): Likely benign (1 of 4 stars; one submission).

gnomAD v4.1: 4 of 1,299,212 alleles (0.00031%); highest among the groups gnomAD compares: Non-Finnish European, 0.00039%; no homozygotes.

Submission:

CeGaT Center for Human Genetics Tuebingen
Classification: Likely benign. Last evaluated: 2023-01-01. Review status: criteria provided, single submitter. Criteria: CeGaT Center For Human Genetics Tuebingen Variant Classification Criteria Version 2. Collection method: clinical testing. Allele origin: germline. Affected: yes. Observed: 1 variant allele.
Comment: PDSS1: PM2:Supporting, BP4, BP7

NM_014317.5(PDSS1):c.69C>G (p.Pro23=)

Gene: PDSS1 (decaprenyl diphosphate synthase subunit 1; plus strand). Cytogenetic location: 10p12.1.
Variant type: single nucleotide variant.
Coding change: c.69C>G on transcript NM_014317.5 (MANE Select); coding-DNA position 69, C replaced by G.
Protein change: p.Pro23=; no amino-acid change (proline 23 retained).
Molecular consequence: synonymous variant. On other transcripts: 5 prime UTR variant (1).
Genome position (GRCh38, 1-based): chr10:26,697,780, C>G. VCF-style: chr10-26697780-C-G. GRCh37 (hg19) VCF-style: chr10-26986709-C-G.
Other names: c.69C>G, p.Pro23= (NM_001321978.2); c.-525C>G (NM_001321979.2).
Identifiers: ClinVar variation 2640367 (VCV002640367.24), dbSNP rs905436294, ClinGen allele CA205006619.